The following is an entry in ClinVar:

ClinVar aggregate classification (germline): Likely pathogenic (1 of 4 stars; one submission).

Conditions:
EPILEPSY, CHILDHOOD ABSENCE, SUSCEPTIBILITY TO, 2 (ECA2). Identifiers: Orphanet 64280, MedGen C1843244, OMIM 607681.
Febrile seizures, familial, 8 (FEB8). Also called: CONVULSIONS, FAMILIAL FEBRILE, 8. Identifiers: Orphanet 36387, MedGen C1969810, MONDO:0011891, OMIM 607681.

Submission:

Labcorp Genetics (formerly Invitae), Labcorp
Classification: Likely pathogenic for Febrile seizures, familial, 8; EPILEPSY, CHILDHOOD ABSENCE, SUSCEPTIBILITY TO, 2. Last evaluated: 2023-04-08. Review status: criteria provided, single submitter. Criteria: Invitae Variant Classification Sherloc (09022015). Collection method: clinical testing. Allele origin: germline.
Comment: This variant is not present in population databases (gnomAD no frequency). This variant has not been reported in the literature in individuals affected with GABRG2-related conditions. Advanced modeling of protein sequence and biophysical properties (such as structural, functional, and spatial information, amino acid conservation, physicochemical variation, residue mobility, and thermodynamic stability) performed at Invitae indicates that this missense variant is expected to disrupt GABRG2 protein function. This variant disrupts the p.Arg82 amino acid residue in GABRG2. Other variant(s) that disrupt this residue have been determined to be pathogenic (PMID: 11326275, 15342642, 15470132, 23408872). This suggests that this residue is clinically significant, and that variants that disrupt this residue are likely to be disease-causing. In summary, the currently available evidence indicates that the variant is pathogenic, but additional data are needed to prove that conclusively. Therefore, this variant has been classified as Likely Pathogenic. This sequence change replaces arginine, which is basic and polar, with leucine, which is neutral and non-polar, at codon 82 of the GABRG2 protein (p.Arg82Leu).

Literature cited by the submitters: PubMed 11326275; PubMed 15342642; PubMed 15470132; PubMed 23408872.

NM_198904.4(GABRG2):c.245G>T (p.Arg82Leu)

Gene: GABRG2 (gamma-aminobutyric acid type A receptor subunit gamma2; plus strand). Cytogenetic location: 5q34.
Variant type: single nucleotide variant.
Coding change: c.245G>T on transcript NM_198904.4 (MANE Select); coding-DNA position 245, G replaced by T.
Protein change: p.Arg82Leu; replaces arginine 82 with leucine.
Molecular consequence: missense variant. On other transcripts: 5 prime UTR variant (3).
Genome position (GRCh38, 1-based): chr5:162,093,965, G>T. VCF-style: chr5-162093965-G-T. GRCh37 (hg19) VCF-style: chr5-161520971-G-T.
Other names: c.245G>T, p.Arg82Leu (NM_000816.3, NM_001375340.1, NM_001375341.1 and 4 more transcripts); c.236G>T, p.Arg79Leu (NM_001375339.1); c.179G>T, p.Arg60Leu (NM_001375345.1, NM_001375346.1); c.158G>T, p.Arg53Leu (NM_001375347.1); c.-114G>T (NM_001375348.1, NM_001375350.1); c.-41G>T (NM_001375349.1); short protein forms R60L, R79L, R53L, R82L.
Identifiers: ClinVar variation 2939813 (VCV002939813.3), dbSNP rs121909673, ClinGen allele CA362183132.